The following is an entry in ClinVar:

NM_001098511.3(KIF2A):c.901A>G (p.Ile301Val)

Gene: KIF2A (kinesin family member 2A; plus strand). Cytogenetic location: 5q12.1.
Variant type: single nucleotide variant.
Coding change: c.901A>G on transcript NM_001098511.3 (MANE Select); coding-DNA position 901, A replaced by G.
Protein change: p.Ile301Val; replaces isoleucine 301 with valine.
Molecular consequence: missense variant.
Genome position (GRCh38, 1-based): chr5:62,361,270, A>G. VCF-style: chr5-62361270-A-G. GRCh37 (hg19) VCF-style: chr5-61657097-A-G.
Other names: c.820A>G, p.Ile274Val (NM_001243952.2); c.844A>G, p.Ile282Val (NM_001243953.2); c.901A>G, p.Ile301Val (NM_004520.5); short protein forms I282V, I274V, I301V.
Identifiers: ClinVar variation 2973896 (VCV002973896.3), dbSNP rs867833640, ClinGen allele CA120081578.

ClinVar aggregate classification (germline): Uncertain significance (1 of 4 stars; one submission).

Allele frequency attached by ClinVar (database versions not stated): gnomAD exomes below 0.00001; TOPMed 0.00001.
gnomAD v4.1: 4 of 1,606,462 alleles (0.00025%); highest among the groups gnomAD compares: African/African-American, 0.0013%; no homozygotes.

Submission:

Labcorp Genetics (formerly Invitae), Labcorp
Classification: Uncertain significance. Last evaluated: 2025-03-31. Review status: criteria provided, single submitter. Criteria: Invitae Variant Classification Sherloc (09022015). Collection method: clinical testing. Allele origin: germline.
Comment: This sequence change replaces isoleucine, which is neutral and non-polar, with valine, which is neutral and non-polar, at codon 301 of the KIF2A protein (p.Ile301Val). This variant is not present in population databases (gnomAD no frequency). This variant has not been reported in the literature in individuals affected with KIF2A-related conditions. ClinVar contains an entry for this variant (Variation ID: 2973896). An algorithm developed to predict the effect of missense changes on protein structure and function (PolyPhen-2) suggests that this variant is likely to be tolerated. In summary, the available evidence is currently insufficient to determine the role of this variant in disease. Therefore, it has been classified as a Variant of Uncertain Significance.